The following is an entry in ClinVar:

ClinVar aggregate classification (germline): Uncertain significance (1 of 4 stars; one submission).

Allele frequency attached by ClinVar (database versions not stated): gnomAD 0.00002; gnomAD exomes 0.00002; TOPMed 0.00002; ExAC 0.00003.
gnomAD v4.1: 25 of 1,613,768 alleles (0.0015%); highest among the groups gnomAD compares: South Asian, 0.0044%; no homozygotes.

Submission:

Labcorp Genetics (formerly Invitae), Labcorp
Classification: Uncertain significance. Last evaluated: 2025-10-13. Review status: criteria provided, single submitter. Criteria: Invitae Variant Classification Sherloc (09022015). Collection method: clinical testing. Allele origin: germline.
Comment: This sequence change replaces arginine, which is basic and polar, with cysteine, which is neutral and slightly polar, at codon 1198 of the SKIV2L protein (p.Arg1198Cys). This variant is present in population databases (rs773464401, gnomAD 0.007%). This variant has not been reported in the literature in individuals affected with SKIV2L-related conditions. ClinVar contains an entry for this variant (Variation ID: 1428392). An algorithm developed to predict the effect of missense changes on protein structure and function (PolyPhen-2) suggests that this variant is likely to be disruptive. In summary, the available evidence is currently insufficient to determine the role of this variant in disease. Therefore, it has been classified as a Variant of Uncertain Significance.

NM_006929.5(SKIC2):c.3592C>T (p.Arg1198Cys)

Gene: SKIC2 (SKI2 subunit of superkiller complex; plus strand). Cytogenetic location: 6p21.33.
Variant type: single nucleotide variant.
Coding change: c.3592C>T on transcript NM_006929.5 (MANE Select); coding-DNA position 3592, C replaced by T.
Protein change: p.Arg1198Cys; replaces arginine 1198 with cysteine.
Molecular consequence: missense variant.
Genome position (GRCh38, 1-based): chr6:31,969,566, C>T. VCF-style: chr6-31969566-C-T. GRCh37 (hg19) VCF-style: chr6-31937343-C-T.
Other names: short protein forms R1198C.
Identifiers: ClinVar variation 1428392 (VCV001428392.7), dbSNP rs773464401, ClinGen allele CA3730095.
Genomic context (GRCh38, chr6:31,969,566, plus strand): 5'-TCCCCACAGCCCTTCTCCGAGTTGGCAGGGCTCTCAGGGACCCCTGAGGGCCTGGTGGTC[C>T]GCTGCATTCAGCGCCTGGCTGAGATGTGTCGCTCACTGCGGGGGGCAGCCCGCCTGGTAG-3'
Protein context (NP_008860.4, residues 1188-1208): LSGTPEGLVV[Arg1198Cys]CIQRLAEMCR